The following is an entry in ClinVar:

ClinVar aggregate classification (germline): Uncertain significance (1 of 4 stars; one submission).

Conditions:
RAB23-related disorder. Also called: RAB23-related condition.

gnomAD v4.1: 4 of 1,614,038 alleles (0.00025%); highest among the groups gnomAD compares: Non-Finnish European, 0.00034%; no homozygotes.

Submission:

PreventionGenetics, part of Exact Sciences
Classification: Uncertain significance for RAB23-related condition. Last evaluated: 2025-03-26. Review status: criteria provided, single submitter. Criteria: ACMG Guidelines, 2015. Collection method: clinical testing. Allele origin: germline.
Comment: The RAB23 c.341T>A variant is predicted to result in the amino acid substitution p.Ile114Lys. To our knowledge, this variant has not been reported in the literature or in a large population database (gnomAD), indicating this variant is rare. At this time, the clinical significance of this variant is uncertain due to the absence of conclusive functional and genetic evidence.

NM_016277.5(RAB23):c.341T>A (p.Ile114Lys)

Gene: RAB23 (RAB23, member RAS oncogene family; minus strand). Cytogenetic location: 6p12.1.
Variant type: single nucleotide variant.
Coding change: c.341T>A on transcript NM_016277.5 (MANE Select); coding-DNA position 341, T replaced by A.
Protein change: p.Ile114Lys; replaces isoleucine 114 with lysine.
Molecular consequence: missense variant.
Genome position (GRCh38, 1-based): chr6:57,196,507, A>T on the plus strand (T>A on the coding strand, the complement: RAB23 is on the minus strand). VCF-style: chr6-57196507-A-T. GRCh37 (hg19) VCF-style: chr6-57061305-A-T.
Other names: c.341T>A, p.Ile114Lys (NM_001278666.2, NM_001278667.2, NM_001278668.2 and 1 more transcripts); short protein forms I114K.
Identifiers: ClinVar variation 4982690 (VCV004982690.1).
Genomic context (GRCh38, chr6:57,196,507, plus strand): 5'-TACTTCTTTATACAAGAATCATCCAGAAGATCAATCTTGTTTTGCACAAGTACAGTTGGT[A>T]TATCTCCCACTTCGGCTACTACTTTCTCTCTCCAACTGGAAACTGCTTCAAAAGATTCCC-3'
Protein context (NP_057361.3, residues 104-124): REKVVAEVGD[Ile114Lys]PTVLVQNKID